The following is an entry in ClinVar:

NM_000444.6(PHEX):c.1328G>A (p.Arg443His)

Gene: PHEX (phosphate regulating endopeptidase X-linked; plus strand). Cytogenetic location: Xp22.11.
Variant type: single nucleotide variant.
Coding change: c.1328G>A on transcript NM_000444.6 (MANE Select); coding-DNA position 1328, G replaced by A.
Protein change: p.Arg443His; replaces arginine 443 with histidine.
Molecular consequence: missense variant.
Genome position (GRCh38, 1-based): chrX:22,133,548, G>A. VCF-style: chrX-22133548-G-A. GRCh37 (hg19) VCF-style: chrX-22151665-G-A.
Other names: c.1328G>A, p.Arg443His (NM_001282754.2); short protein forms R443H.
Identifiers: ClinVar variation 1209168 (VCV001209168.10), dbSNP rs1285918997, ClinGen allele CA412574582.
Genomic context (GRCh38, chrX:22,133,548, plus strand): 5'-GCTTTGACGTTCCCTCTTTGGGTATTTTCTTGTAGATGGAGGAATTGGTTGAGGGCGTTC[G>A]CTGGGCCTTTATTGACATGCTAGAGAAAGAAAATGAGTGGATGGATGCAGGAACGAAAAG-3'
Protein context (NP_000435.3, residues 433-453): EMMEELVEGV[Arg443His]WAFIDMLEKE

ClinVar aggregate classification (germline): Uncertain significance. Review status: criteria provided, multiple submitters, no conflicts (2 of 4 stars). 4 submissions from 4 submitters: Uncertain significance (4). Last evaluated 2026-02-17.

Conditions:
Inborn genetic diseases. Identifiers: MedGen C0950123, MeSH D030342.
Hypophosphataemia or rickets.

Allele frequency attached by ClinVar (database versions not stated): gnomAD exomes below 0.00001 and 0.00001.
gnomAD v4.1: 4 of 1,208,503 alleles (0.00033%); highest among the groups gnomAD compares: Non-Finnish European, 0.00034%; no homozygotes.

Submissions (4):

Cambridge Genomics Laboratory, East Genomic Laboratory Hub, NHS Genomic Medicine Service
Classification: Uncertain significance for Hypophosphataemia or rickets. Last evaluated: 2026-02-17. Review status: criteria provided, single submitter. Criteria: ACGS Best Practice Guidelines for Variant Classification in Rare Disease 2020. Collection method: clinical testing. Allele origin: germline. Affected: yes.
Comment: PS4_Moderate,PM2_Supporting,PP3,PP4

Labcorp Genetics (formerly Invitae), Labcorp
Classification: Uncertain significance. Last evaluated: 2024-11-05. Review status: criteria provided, single submitter. Criteria: Invitae Variant Classification Sherloc (09022015). Collection method: clinical testing. Allele origin: germline.
Comment: This sequence change replaces arginine, which is basic and polar, with histidine, which is basic and polar, at codon 443 of the PHEX protein (p.Arg443His). This variant is present in population databases (no rsID available, gnomAD no frequency). This variant has not been reported in the literature in individuals affected with PHEX-related conditions. ClinVar contains an entry for this variant (Variation ID: 1209168). Invitae Evidence Modeling of protein sequence and biophysical properties (such as structural, functional, and spatial information, amino acid conservation, physicochemical variation, residue mobility, and thermodynamic stability) has been performed for this missense variant. However, the output from this modeling did not meet the statistical confidence thresholds required to predict the impact of this variant on PHEX protein function. In summary, the available evidence is currently insufficient to determine the role of this variant in disease. Therefore, it has been classified as a Variant of Uncertain Significance.

Ambry Genetics
Classification: Uncertain significance for Inborn genetic diseases. Last evaluated: 2024-04-02. Review status: criteria provided, single submitter. Criteria: Ambry Variant Classification Scheme 2023. Collection method: clinical testing. Allele origin: germline.
Comment: The c.1328G>A (p.R443H) alteration is located in exon 12 (coding exon 12) of the PHEX gene. This alteration results from a G to A substitution at nucleotide position 1328, causing the arginine (R) at amino acid position 443 to be replaced by a histidine (H). Based on data from gnomAD, the A allele has an overall frequency of <0.001% (1/183339) total alleles studied. The highest observed frequency was 0.001% (1/81833) of European (non-Finnish) alleles. This variant was reported in two individuals with features consistent with PHEX-related hypophosphatemic rickets (Brener, 2022; Sarafrazi, 2022). This amino acid position is highly conserved in available vertebrate species. This alteration is predicted to be deleterious by in silico analysis. Based on insufficient or conflicting evidence, the clinical significance of this alteration remains unclear.

GeneDx
Classification: Uncertain significance. Last evaluated: 2020-04-01. Review status: criteria provided, single submitter. Criteria: GeneDx Variant Classification Process June 2021. Collection method: clinical testing. Allele origin: germline. Affected: yes.
Comment: Not observed at a significant frequency in large population cohorts (Lek et al., 2016); In silico analysis supports that this missense variant has a deleterious effect on protein structure/function; Has not been previously published as pathogenic or benign to our knowledge

Literature cited by the submitters: PubMed 34806794 (cited by Ambry Genetics); PubMed 36051396 (cited by Ambry Genetics).